The following is an entry in ClinVar:

ClinVar aggregate classification (germline): Uncertain significance (1 of 4 stars; one submission).

Conditions:
Emery-Dreifuss muscular dystrophy 5, autosomal dominant (EDMD5). Also called: EMERY-DREIFUSS MUSCULAR DYSTROPHY 5. Identifiers: Orphanet 261, MedGen C2751805, MONDO:0013072, OMIM 612999.

Submission:

Labcorp Genetics (formerly Invitae), Labcorp
Classification: Uncertain significance for Emery-Dreifuss muscular dystrophy 5, autosomal dominant. Last evaluated: 2022-07-06. Review status: criteria provided, single submitter. Criteria: Invitae Variant Classification Sherloc (09022015). Collection method: clinical testing. Allele origin: germline.
Comment: This sequence change replaces arginine, which is basic and polar, with glycine, which is neutral and non-polar, at codon 4873 of the SYNE2 protein (p.Arg4873Gly). This variant is not present in population databases (gnomAD no frequency). In summary, the available evidence is currently insufficient to determine the role of this variant in disease. Therefore, it has been classified as a Variant of Uncertain Significance. Algorithms developed to predict the effect of missense changes on protein structure and function are either unavailable or do not agree on the potential impact of this missense change (SIFT: "Deleterious"; PolyPhen-2: "Probably Damaging"; Align-GVGD: "Class C0"). ClinVar contains an entry for this variant (Variation ID: 1469876). This variant has not been reported in the literature in individuals affected with SYNE2-related conditions.

NM_182914.3(SYNE2):c.14617A>G (p.Arg4873Gly)

Gene: SYNE2 (spectrin repeat containing nuclear envelope protein 2; plus strand). Cytogenetic location: 14q23.2.
Variant type: single nucleotide variant.
Coding change: c.14617A>G on transcript NM_182914.3 (MANE Select); coding-DNA position 14617, A replaced by G.
Protein change: p.Arg4873Gly; replaces arginine 4873 with glycine.
Molecular consequence: missense variant.
Genome position (GRCh38, 1-based): chr14:64,134,171, A>G. VCF-style: chr14-64134171-A-G. GRCh37 (hg19) VCF-style: chr14-64600889-A-G.
Other names: c.14617A>G, p.Arg4873Gly (NM_015180.6); short protein forms R4873G.
Identifiers: ClinVar variation 1469876 (VCV001469876.6), dbSNP rs2153684012, ClinGen allele CA389986435.